The following is an entry in ClinVar:

NM_052874.5(STX1B):c.175G>A (p.Ala59Thr)

Gene: STX1B (syntaxin 1B; minus strand). Cytogenetic location: 16p11.2.
Variant type: single nucleotide variant.
Coding change: c.175G>A on transcript NM_052874.5 (MANE Select); coding-DNA position 175, G replaced by A.
Protein change: p.Ala59Thr; replaces alanine 59 with threonine.
Molecular consequence: missense variant.
Genome position (GRCh38, 1-based): chr16:31,001,124, C>T on the plus strand (G>A on the coding strand, the complement: STX1B is on the minus strand). VCF-style: chr16-31001124-C-T. GRCh37 (hg19) VCF-style: chr16-31012445-C-T.
Other names: short protein forms A59T.
Identifiers: ClinVar variation 1220432 (VCV001220432.9), dbSNP rs202077851, ClinGen allele CA8018465.

ClinVar aggregate classification (germline): Conflicting classifications of pathogenicity. Review status: criteria provided, conflicting classifications (1 of 4 stars). 2 submissions from 2 submitters: Uncertain significance (1); Likely benign (1). Last evaluated 2024-03-28.

Conditions:
Generalized epilepsy with febrile seizures plus, type 9 (GEFSP9). Also called: GEFS+, TYPE 9. Identifiers: Orphanet 36387, MedGen C4015395, MONDO:0014517, OMIM 616172.

Allele frequency attached by ClinVar (database versions not stated): ExAC 0.00001; TOPMed 0.00003.
gnomAD v4.1: 67 of 1,614,030 alleles (0.0042%); highest among the groups gnomAD compares: Non-Finnish European, 0.0053%; no homozygotes.

Submissions (2):

Labcorp Genetics (formerly Invitae), Labcorp
Classification: Uncertain significance for Generalized epilepsy with febrile seizures plus, type 9. Last evaluated: 2024-03-28. Review status: criteria provided, single submitter. Criteria: Invitae Variant Classification Sherloc (09022015). Collection method: clinical testing. Allele origin: germline.
Comment: This sequence change replaces alanine, which is neutral and non-polar, with threonine, which is neutral and polar, at codon 59 of the STX1B protein (p.Ala59Thr). This variant is present in population databases (rs202077851, gnomAD 0.004%). This variant has not been reported in the literature in individuals affected with STX1B-related conditions. ClinVar contains an entry for this variant (Variation ID: 1220432). Advanced modeling of protein sequence and biophysical properties (such as structural, functional, and spatial information, amino acid conservation, physicochemical variation, residue mobility, and thermodynamic stability) performed at Invitae indicates that this missense variant is not expected to disrupt STX1B protein function with a negative predictive value of 80%. In summary, the available evidence is currently insufficient to determine the role of this variant in disease. Therefore, it has been classified as a Variant of Uncertain Significance.

GeneDx
Classification: Likely benign. Last evaluated: 2020-06-11. Review status: criteria provided, single submitter. Criteria: GeneDx Variant Classification Process June 2021. Collection method: clinical testing. Allele origin: germline. Affected: yes.